The following is an entry in ClinVar:

NM_152564.5(VPS13B):c.4746-7T>C

Gene: VPS13B (vacuolar protein sorting 13 homolog B; plus strand). Cytogenetic location: 8q22.2.
Variant type: single nucleotide variant.
Coding change: c.4746-7T>C on transcript NM_152564.5 (MANE Select); 7 bases into the intron before coding-DNA position 4746, T replaced by C.
Molecular consequence: intron variant.
Genome position (GRCh38, 1-based): chr8:99,556,443, T>C. VCF-style: chr8-99556443-T-C. GRCh37 (hg19) VCF-style: chr8-100568671-T-C.
Other names: c.4746-7T>C (NM_152564.4); c.4821-7T>C (NM_017890.5).
Identifiers: ClinVar variation 361063 (VCV000361063.20), dbSNP rs201136777, ClinGen allele CA4823653.
Genomic context (GRCh38, chr8:99,556,443, plus strand): 5'-TAAACATAGAATGGTTATTTTATCTGTTTTCTTGTTTTTATTTTTGTTTTTTTCGCTGCC[T>C]TTACAGGAGAGCCTTGAACTTAGGAATTCTTCGAGATCCTGGATCAGAAATCGAAGACAG-3'

ClinVar aggregate classification (germline): Conflicting classifications of pathogenicity. Review status: criteria provided, conflicting classifications (1 of 4 stars). 5 submissions from 5 submitters: Uncertain significance (1); Likely benign (2). 2 of the submissions do not count toward it. Last evaluated 2026-01-18.

Conditions:
VPS13B-related disorder. Also called: VPS13B-related condition.
Cohen syndrome (COH1). Also called: PEPPER SYNDROME; Cutis verticis gyrata, retinitis pigmentosa, and sensorineural deafness. Identifiers: Orphanet 193, MedGen C0265223, MONDO:0008999, OMIM 216550.

Allele frequency attached by ClinVar (database versions not stated): ExAC 0.00004; gnomAD exomes 0.00008 and 0.00015; gnomAD 0.00014; 1000 Genomes Project 30x 0.00016; TOPMed 0.00021.
gnomAD v4.1: 238 of 1,612,184 alleles (0.015%); highest among the groups gnomAD compares: Admixed American, 0.023%; no homozygotes.

Submissions (5):

Labcorp Genetics (formerly Invitae), Labcorp
Classification: Likely benign for Cohen syndrome. Last evaluated: 2026-01-18. Review status: criteria provided, single submitter. Criteria: Invitae Variant Classification Sherloc (09022015). Collection method: clinical testing. Allele origin: germline.

Blueprint Genetics
Classification: Likely benign. Last evaluated: 2024-11-25. Review status: criteria provided, single submitter. Criteria: ACMG Guidelines, 2015. Collection method: clinical testing. Allele origin: germline.

Illumina Laboratory Services, Illumina
Classification: Uncertain significance for Cohen syndrome. Last evaluated: 2018-01-12. Review status: criteria provided, single submitter. Criteria: ICSL Variant Classification Criteria 13 December 2019. Collection method: clinical testing. Allele origin: germline.

PreventionGenetics, part of Exact Sciences
Classification: Likely benign for VPS13B-related condition. Last evaluated: 2021-12-28. Review status: no assertion criteria provided. Collection method: clinical testing. Allele origin: germline. Not counted in ClinVar's aggregate classification.
Comment: This variant is classified as likely benign based on ACMG/AMP sequence variant interpretation guidelines (Richards et al. 2015 PMID: 25741868, with internal and published modifications).

Natera, Inc.
Classification: Uncertain significance for Cohen syndrome. Last evaluated: 2019-10-29. Review status: no assertion criteria provided. Collection method: clinical testing. Allele origin: germline. Not counted in ClinVar's aggregate classification.